The following is an entry in ClinVar:

ClinVar aggregate classification (germline): Likely benign (1 of 4 stars; one submission).

Submission:

CeGaT Center for Human Genetics Tuebingen
Classification: Likely benign. Last evaluated: 2026-08-01. Review status: criteria provided, single submitter. Criteria: CeGaT Center For Human Genetics Tuebingen Variant Classification Criteria Version 2. Collection method: clinical testing. Allele origin: germline. Affected: yes. Observed: 2 variant alleles.
Comment: FLG: BP4, BP7

NM_002016.2(FLG):c.10335G>A (p.Arg3445=)

Genes: CCDST (cervical cancer associated DHX9 suppressive transcript; plus strand), FLG (filaggrin; minus strand). Cytogenetic location: 1q21.3.
Variant type: single nucleotide variant.
Coding change: c.10335G>A on transcript NM_002016.2 (MANE Select); coding-DNA position 10335, G replaced by A.
Protein change: p.Arg3445=; no amino-acid change (arginine 3445 retained).
Molecular consequence: synonymous variant.
Genome position (GRCh38, 1-based): chr1:152,304,551, C>T on the plus strand (G>A on the coding strand, the complement: FLG is on the minus strand). VCF-style: chr1-152304551-C-T. GRCh37 (hg19) VCF-style: chr1-152277027-C-T.
Identifiers: ClinVar variation 3770723 (VCV003770723.13).